The following is an entry in ClinVar:

NM_000532.5(PCCB):c.1091-1G>A

Gene: PCCB (propionyl-CoA carboxylase subunit beta; plus strand). Cytogenetic location: 3q22.3.
Variant type: single nucleotide variant.
Coding change: c.1091-1G>A on transcript NM_000532.5 (MANE Select); the canonical splice acceptor site of the intron before coding-DNA position 1091, G replaced by A.
Molecular consequence: splice acceptor variant.
Genome position (GRCh38, 1-based): chr3:136,326,802, G>A. VCF-style: chr3-136326802-G-A. GRCh37 (hg19) VCF-style: chr3-136045644-G-A.
Other names: c.1151-1G>A (NM_001178014.2).
Identifiers: ClinVar variation 1478479 (VCV001478479.6), dbSNP rs2108237784, ClinGen allele CA354648354.

ClinVar aggregate classification (germline): Likely pathogenic (1 of 4 stars; one submission).

Conditions:
Propionic acidemia (PROP). Also called: GLYCINEMIA, KETOTIC; HYPERGLYCINEMIA WITH KETOACIDOSIS AND LEUKOPENIA; KETOTIC HYPERGLYCINEMIA. Identifiers: Orphanet 35, MedGen C0268579, MONDO:0011628, OMIM 606054, HP:0003571.

Submission:

Labcorp Genetics (formerly Invitae), Labcorp
Classification: Likely pathogenic for Propionic acidemia. Last evaluated: 2021-08-27. Review status: criteria provided, single submitter. Criteria: Invitae Variant Classification Sherloc (09022015). Collection method: clinical testing. Allele origin: germline.
Comment: This sequence change affects an acceptor splice site in intron 10 of the PCCB gene. It is expected to disrupt RNA splicing. Variants that disrupt the donor or acceptor splice site typically lead to a loss of protein function (PMID: 16199547), and loss-of-function variants in PCCB are known to be pathogenic (PMID: 15464417). This variant is not present in population databases (ExAC no frequency). This variant has not been reported in the literature in individuals affected with PCCB-related conditions. Algorithms developed to predict the effect of sequence changes on RNA splicing suggest that this variant may disrupt the consensus splice site. In summary, the currently available evidence indicates that the variant is pathogenic, but additional data are needed to prove that conclusively. Therefore, this variant has been classified as Likely Pathogenic.

Literature cited by the submitters: PubMed 16199547; PubMed 15464417.